The following is an entry in ClinVar:

ClinVar aggregate classification (germline): Uncertain significance (1 of 4 stars; one submission).

Allele frequency attached by ClinVar (database versions not stated): gnomAD exomes below 0.00001.
gnomAD v4.1: 1 of 1,612,582 alleles (0.000062%); highest among the groups gnomAD compares: South Asian, 0.0011%; no homozygotes.

Submission:

Labcorp Genetics (formerly Invitae), Labcorp
Classification: Uncertain significance. Last evaluated: 2023-06-03. Review status: criteria provided, single submitter. Criteria: Invitae Variant Classification Sherloc (09022015). Collection method: clinical testing. Allele origin: germline.
Comment: This variant is not present in population databases (gnomAD no frequency). This sequence change replaces arginine, which is basic and polar, with tryptophan, which is neutral and slightly polar, at codon 796 of the PACS2 protein (p.Arg796Trp). In summary, the available evidence is currently insufficient to determine the role of this variant in disease. Therefore, it has been classified as a Variant of Uncertain Significance. Advanced modeling of protein sequence and biophysical properties (such as structural, functional, and spatial information, amino acid conservation, physicochemical variation, residue mobility, and thermodynamic stability) performed at Invitae indicates that this missense variant is not expected to disrupt PACS2 protein function. This variant has not been reported in the literature in individuals affected with PACS2-related conditions.

NM_001100913.3(PACS2):c.2386C>T (p.Arg796Trp)

Gene: PACS2 (phosphofurin acidic cluster sorting protein 2; plus strand). Cytogenetic location: 14q32.33.
Variant type: single nucleotide variant.
Coding change: c.2386C>T on transcript NM_001100913.3 (MANE Select); coding-DNA position 2386, C replaced by T.
Protein change: p.Arg796Trp; replaces arginine 796 with tryptophan.
Molecular consequence: missense variant.
Genome position (GRCh38, 1-based): chr14:105,392,749, C>T. VCF-style: chr14-105392749-C-T. GRCh37 (hg19) VCF-style: chr14-105859086-C-T.
Other names: c.2116C>T, p.Arg706Trp (NM_001243127.3); c.2341C>T, p.Arg781Trp (NM_015197.4); short protein forms R706W, R781W, R796W.
Identifiers: ClinVar variation 2805379 (VCV002805379.3), dbSNP rs1595193008, ClinGen allele CA391187610.
Genomic context (GRCh38, chr14:105,392,749, plus strand): 5'-AAGAGGGACGCCGAGAAGAAGGACCTGCCTGTCACCAAAAACACGCTCAAGTGCACTTTC[C>T]GGTCCCTCCAGGTCAGCAGGCTGCCCAGCAGCGGCGAGGCTGCAGCCACGCCCACCATGT-3'
Protein context (NP_001094383.2, residues 786-806): VTKNTLKCTF[Arg796Trp]SLQVSRLPSS